The following is an entry in ClinVar:

ClinVar aggregate classification (germline): Uncertain significance. Review status: criteria provided, multiple submitters, no conflicts (2 of 4 stars). 5 submissions from 4 submitters: Uncertain significance (5). Last evaluated 2024-07-26.

Conditions:
Autosomal recessive ataxia, Beauce type. Also called: Spinocerebellar ataxia, autosomal recessive 8; ATAXIA, RECESSIVE, OF BEAUCE; SYNE1 Deficiency; SYNE1-Related Autosomal Recessive Cerebellar Ataxia. Identifiers: Orphanet 88644, MedGen C1853116, MONDO:0012549, OMIM 610743.
Emery-Dreifuss muscular dystrophy 4, autosomal dominant (EDMD4). Also called: EMERY-DREIFUSS MUSCULAR DYSTROPHY 4 WITH VARIABLE FEATURES. Identifiers: Orphanet 261, MedGen C2751807, MONDO:0013071, OMIM 612998.

Allele frequency attached by ClinVar (database versions not stated): TOPMed 0.00002; ESP Exome Variant Server 0.00015.
gnomAD v4.1: 18 of 1,613,974 alleles (0.0011%); highest among the groups gnomAD compares: Non-Finnish European, 0.0014%; no homozygotes.

Submissions (5):

GeneDx
Classification: Uncertain significance. Last evaluated: 2024-07-26. Review status: criteria provided, single submitter. Criteria: GeneDx Variant Classification Process June 2021. Collection method: clinical testing. Allele origin: germline. Affected: yes.
Comment: Not observed at significant frequency in large population cohorts (gnomAD); In silico analysis supports that this missense variant has a deleterious effect on protein structure/function; Has not been previously published as pathogenic or benign to our knowledge

Labcorp Genetics (formerly Invitae), Labcorp
Classification: Uncertain significance for Emery-Dreifuss muscular dystrophy 4, autosomal dominant; Autosomal recessive ataxia, Beauce type. Last evaluated: 2022-10-13. Review status: criteria provided, single submitter. Criteria: Invitae Variant Classification Sherloc (09022015). Collection method: clinical testing. Allele origin: germline.
Comment: In summary, the available evidence is currently insufficient to determine the role of this variant in disease. Therefore, it has been classified as a Variant of Uncertain Significance. Algorithms developed to predict the effect of missense changes on protein structure and function are either unavailable or do not agree on the potential impact of this missense change (SIFT: "Deleterious"; PolyPhen-2: "Possibly Damaging"; Align-GVGD: "Class C0"). ClinVar contains an entry for this variant (Variation ID: 288597). This variant has not been reported in the literature in individuals affected with SYNE1-related conditions. This variant is present in population databases (rs148367376, gnomAD 0.003%). This sequence change replaces arginine, which is basic and polar, with leucine, which is neutral and non-polar, at codon 8198 of the SYNE1 protein (p.Arg8198Leu).

Illumina Laboratory Services, Illumina
Classification: Uncertain significance for Autosomal recessive ataxia, Beauce type. Last evaluated: 2018-01-12. Review status: criteria provided, single submitter. Criteria: ICSL Variant Classification Criteria 13 December 2019. Collection method: clinical testing. Allele origin: germline.

Illumina Laboratory Services, Illumina
Classification: Uncertain significance for Emery-Dreifuss muscular dystrophy 4, autosomal dominant. Last evaluated: 2018-01-12. Review status: criteria provided, single submitter. Criteria: ICSL Variant Classification Criteria 13 December 2019. Collection method: clinical testing. Allele origin: germline.

Eurofins Ntd Llc (ga)
Classification: Uncertain significance. Last evaluated: 2016-06-13. Review status: criteria provided, single submitter. Criteria: EGL Classification Definitions 2015. Collection method: clinical testing. Allele origin: germline. Observed: 1 variant allele, 1 heterozygote.

NM_182961.4(SYNE1):c.24806G>T (p.Arg8269Leu)

Gene: SYNE1 (spectrin repeat containing nuclear envelope protein 1; minus strand). Cytogenetic location: 6q25.2.
Variant type: single nucleotide variant.
Coding change: c.24806G>T on transcript NM_182961.4 (MANE Select); coding-DNA position 24806, G replaced by T.
Protein change: p.Arg8269Leu; replaces arginine 8269 with leucine.
Molecular consequence: missense variant.
Genome position (GRCh38, 1-based): chr6:152,148,215, C>A on the plus strand (G>T on the coding strand, the complement: SYNE1 is on the minus strand). VCF-style: chr6-152148215-C-A. GRCh37 (hg19) VCF-style: chr6-152469350-C-A.
Other names: c.1412G>T, p.Arg471Leu (NM_001347701.2); c.1271G>T, p.Arg424Leu (NM_001347702.2); c.24593G>T, p.Arg8198Leu (NM_033071.5); short protein forms R8198L, R8269L, R424L, R471L.
Identifiers: ClinVar variation 288597 (VCV000288597.18), dbSNP rs148367376, ClinGen allele CA4053063.